The following is an entry in ClinVar:

ClinVar aggregate classification (germline): Uncertain significance (1 of 4 stars; one submission).

Conditions:
Cardiovascular phenotype. Identifiers: MedGen CN230736.

Submission:

Ambry Genetics
Classification: Uncertain significance for Cardiovascular phenotype. Last evaluated: 2022-04-19. Review status: criteria provided, single submitter. Criteria: Ambry Variant Classification Scheme 2023. Collection method: clinical testing. Allele origin: germline.
Comment: The p.N559K variant (also known as c.1677T>A), located in coding exon 6 of the KCND3 gene, results from a T to A substitution at nucleotide position 1677. The asparagine at codon 559 is replaced by lysine, an amino acid with similar properties. This amino acid position is conserved. In addition, this alteration is predicted to be tolerated by in silico analysis. Since supporting evidence is limited at this time, the clinical significance of this alteration remains unclear.

NM_001378969.1(KCND3):c.1677T>A (p.Asn559Lys)

Gene: KCND3 (potassium voltage-gated channel subfamily D member 3; minus strand). Cytogenetic location: 1p13.2.
Variant type: single nucleotide variant.
Coding change: c.1677T>A on transcript NM_001378969.1 (MANE Select); coding-DNA position 1677, T replaced by A.
Protein change: p.Asn559Lys; replaces asparagine 559 with lysine.
Molecular consequence: missense variant.
Genome position (GRCh38, 1-based): chr1:111,777,115, A>T on the plus strand (T>A on the coding strand, the complement: KCND3 is on the minus strand). VCF-style: chr1-111777115-A-T. GRCh37 (hg19) VCF-style: chr1-112319737-A-T.
Other names: c.1620T>A, p.Asn540Lys (NM_001378970.1, NM_172198.3); c.1677T>A, p.Asn559Lys (NM_004980.5); short protein forms N540K, N559K.
Identifiers: ClinVar variation 1777822 (VCV001777822.2), dbSNP rs2524993896, ClinGen allele CA341656859.